The following is an entry in ClinVar:

NC_000007.13:g.(?_107350479)_(107355891_?)del

Gene: SLC26A4 (solute carrier family 26 member 4; plus strand). Cytogenetic location: 7q22.3.
Variant type: Deletion.
Identifiers: ClinVar variation 3245849 (VCV003245849.1).

ClinVar aggregate classification (germline): Pathogenic (1 of 4 stars; one submission).

Submission:

Labcorp Genetics (formerly Invitae), Labcorp
Classification: Pathogenic. Last evaluated: 2023-12-02. Review status: criteria provided, single submitter. Criteria: Invitae Variant Classification Sherloc (09022015). Collection method: clinical testing. Allele origin: unknown.
Comment: This variant is a gross deletion of the genomic region encompassing exon(s) 19-21 of the SLC26A4 gene, which includes the termination codon. This deletion extends beyond the assayed region for this gene and therefore may encompass additional genes. While this deletion is not anticipated to lead to nonsense mediated decay, it is expected to alter mRNA translation or result in a truncated protein product. This variant has not been reported in the literature in individuals affected with SLC26A4-related conditions. This variant disrupts a region of the SLC26A4 protein in which other variant(s) (p.His723Arg) have been determined to be pathogenic (PMID: 11405873, 17322586, 20583162, 22884721, 23705809, 24338212). This suggests that this is a clinically significant region of the protein, and that variants that disrupt it are likely to be disease-causing. For these reasons, this variant has been classified as Pathogenic.

Literature cited by the submitters: PubMed 11405873; PubMed 17322586; PubMed 20583162; PubMed 22884721; PubMed 23705809; PubMed 24338212.